The following is an entry in ClinVar:

ClinVar aggregate classification (germline): Likely pathogenic (1 of 4 stars; one submission).

Conditions:
Catecholaminergic polymorphic ventricular tachycardia 1. Also called: VENTRICULAR TACHYCARDIA, CATECHOLAMINERGIC POLYMORPHIC, 1, WITH OR WITHOUT ATRIAL DYSFUNCTION AND/OR DILATED CARDIOMYOPATHY; VENTRICULAR TACHYCARDIA, STRESS-INDUCED POLYMORPHIC 1; RYR2-Related Catecholaminergic Polymorphic Ventricular Tachycardia. Identifiers: Orphanet 3286, MedGen C1631597, MONDO:0011484, OMIM 604772.
Ventricular arrhythmias due to cardiac ryanodine receptor calcium release deficiency syndrome. Also called: Autosomal dominant cardiac arrhythmia (Kuhn). Identifiers: MedGen C5542154, MONDO:0020745, OMIM 115000.

Submission:

Juno Genomics, Hangzhou Juno Genomics, Inc
Classification: Likely pathogenic for Ventricular arrhythmias due to cardiac ryanodine receptor calcium release deficiency syndrome; Catecholaminergic polymorphic ventricular tachycardia 1. Review status: criteria provided, single submitter. Criteria: ACMG Guidelines, 2015. Collection method: clinical testing. Allele origin: germline.
Comment: Absent from controls (or at extremely low frequency if recessive) in Genome Aggregation Database.;Multiple lines of computational evidence support a deleterious effect on the gene or gene product.;Missense variant in a gene that has a low rate of benign missense variation.

NM_001035.3(RYR2):c.10835C>T (p.Pro3612Leu)

Gene: RYR2 (ryanodine receptor 2; plus strand). Cytogenetic location: 1q43.
Variant type: single nucleotide variant.
Coding change: c.10835C>T on transcript NM_001035.3 (MANE Select); coding-DNA position 10835, C replaced by T.
Protein change: p.Pro3612Leu; replaces proline 3612 with leucine.
Molecular consequence: missense variant.
Genome position (GRCh38, 1-based): chr1:237,727,196, C>T. VCF-style: chr1-237727196-C-T. GRCh37 (hg19) VCF-style: chr1-237890496-C-T.
Other names: short protein forms P3612L.
Identifiers: ClinVar variation 3382069 (VCV003382069.3).